The following is an entry in ClinVar:

NM_020778.5(ALPK3):c.4499+20G>A

Gene: ALPK3 (alpha kinase 3; plus strand). Cytogenetic location: 15q25.3.
Variant type: single nucleotide variant.
Coding change: c.4499+20G>A on transcript NM_020778.5 (MANE Select); 20 bases into the intron after coding-DNA position 4499, G replaced by A.
Molecular consequence: intron variant.
Genome position (GRCh38, 1-based): chr15:84,863,660, G>A. VCF-style: chr15-84863660-G-A. GRCh37 (hg19) VCF-style: chr15-85406891-G-A.
Identifiers: ClinVar variation 681637 (VCV000681637.5), dbSNP rs1596158144, ClinGen allele CA915946112.

ClinVar aggregate classification (germline): Likely benign. Review status: criteria provided, multiple submitters, no conflicts (2 of 4 stars). 2 submissions from 2 submitters: Likely benign (2). Last evaluated 2022-05-21.

Allele frequency attached by ClinVar (database versions not stated): gnomAD exomes below 0.00001.
gnomAD v4.1: 2 of 1,611,002 alleles (0.00012%); highest among the groups gnomAD compares: Non-Finnish European, 0.00017%; no homozygotes.

Submissions (2):

Labcorp Genetics (formerly Invitae), Labcorp
Classification: Likely benign. Last evaluated: 2022-05-21. Review status: criteria provided, single submitter. Criteria: Invitae Variant Classification Sherloc (09022015). Collection method: clinical testing. Allele origin: germline.

GeneDx
Classification: Likely benign. Last evaluated: 2018-04-09. Review status: criteria provided, single submitter. Criteria: GeneDx Variant Classification (06012015). Collection method: clinical testing. Allele origin: germline. Affected: yes.
Comment: This variant is considered likely benign or benign based on one or more of the following criteria: it is a conservative change, it occurs at a poorly conserved position in the protein, it is predicted to be benign by multiple in silico algorithms, and/or has population frequency not consistent with disease.